The following is an entry in ClinVar:

ClinVar aggregate classification (germline): Conflicting classifications of pathogenicity. Review status: criteria provided, conflicting classifications (1 of 4 stars). 2 submissions from 2 submitters: Uncertain significance (1); Likely benign (1). Last evaluated 2025-02-10.

Conditions:
Hypertrophic cardiomyopathy 26. Also called: Cardiomyopathy, familial hypertrophic, 26. Identifiers: Orphanet 75249, MedGen C4310749, MONDO:0014883, OMIM 617047.
Myofibrillar myopathy 5. Also called: Filaminopathy (type); FILAMINOPATHY, AUTOSOMAL DOMINANT. Identifiers: Orphanet 171445, MedGen C1836050, MONDO:0012289, OMIM 609524.
Distal myopathy with posterior leg and anterior hand involvement. Also called: WILLIAMS DISTAL MYOPATHY. Identifiers: Orphanet 63273, MedGen C3279722, MONDO:0013550, OMIM 614065.
Cardiovascular phenotype. Identifiers: MedGen CN230736.

gnomAD v4.1: 1 of 1,613,442 alleles (0.000062%); highest among the groups gnomAD compares: African/African-American, 0.0013%; no homozygotes.

Submissions (2):

Ambry Genetics
Classification: Uncertain significance for Cardiovascular phenotype. Last evaluated: 2025-02-10. Review status: criteria provided, single submitter. Criteria: Ambry Variant Classification Scheme 2023. Collection method: clinical testing. Allele origin: germline.
Comment: The p.D798E variant (also known as c.2394C>A), located in coding exon 16 of the FLNC gene, results from a C to A substitution at nucleotide position 2394. The aspartic acid at codon 798 is replaced by glutamic acid, an amino acid with highly similar properties. This amino acid position is conserved. In addition, the in silico prediction for this alteration is inconclusive. Based on the available evidence, the clinical significance of this variant remains unclear.

Labcorp Genetics (formerly Invitae), Labcorp
Classification: Likely benign for Distal myopathy with posterior leg and anterior hand involvement; Myofibrillar myopathy 5; Hypertrophic cardiomyopathy 26. Last evaluated: 2023-04-15. Review status: criteria provided, single submitter. Criteria: Invitae Variant Classification Sherloc (09022015). Collection method: clinical testing. Allele origin: germline.

NM_001458.5(FLNC):c.2394C>A (p.Asp798Glu)

Gene: FLNC (filamin C; plus strand). Cytogenetic location: 7q32.1.
Variant type: single nucleotide variant.
Coding change: c.2394C>A on transcript NM_001458.5 (MANE Select); coding-DNA position 2394, C replaced by A.
Protein change: p.Asp798Glu; replaces aspartic acid 798 with glutamic acid.
Molecular consequence: missense variant.
Genome position (GRCh38, 1-based): chr7:128,842,798, C>A. VCF-style: chr7-128842798-C-A. GRCh37 (hg19) VCF-style: chr7-128482852-C-A.
Other names: c.2394C>A, p.Asp798Glu (NM_001127487.2); short protein forms D798E.
Identifiers: ClinVar variation 2938418 (VCV002938418.4), dbSNP rs747802743, ClinGen allele CA369191503.